The following is an entry in ClinVar:

NM_005560.6(LAMA5):c.3062C>T (p.Ala1021Val)

Gene: LAMA5 (laminin subunit alpha 5; minus strand). Cytogenetic location: 20q13.33.
Variant type: single nucleotide variant.
Coding change: c.3062C>T on transcript NM_005560.6 (MANE Select); coding-DNA position 3062, C replaced by T.
Protein change: p.Ala1021Val; replaces alanine 1021 with valine.
Molecular consequence: missense variant.
Genome position (GRCh38, 1-based): chr20:62,333,441, G>A on the plus strand (C>T on the coding strand, the complement: LAMA5 is on the minus strand). VCF-style: chr20-62333441-G-A. GRCh37 (hg19) VCF-style: chr20-60908497-G-A.
Other names: c.3062C>T (NM_005560.4); short protein forms A1021V.
Identifiers: ClinVar variation 2043976 (VCV002043976.21), dbSNP rs140927746, ClinGen allele CA9943186.

ClinVar aggregate classification (germline): Benign/Likely benign. Review status: criteria provided, multiple submitters, no conflicts (2 of 4 stars). 3 submissions from 3 submitters: Benign (1); Likely benign (1). 1 of the submissions does not count toward it. Last evaluated 2026-09-01.

Conditions:
LAMA5-related disorder. Also called: LAMA5-Related Disorders; LAMA5-related condition.

Allele frequency attached by ClinVar (database versions not stated): 1000 Genomes Project 0.00020; 1000 Genomes Project 30x 0.00047; TOPMed 0.00127; gnomAD 0.00174; ExAC 0.00178; ESP Exome Variant Server 0.00223; gnomAD exomes 0.00223.
gnomAD v4.1: 3,485 of 1,612,724 alleles (0.22%); highest among the groups gnomAD compares: Non-Finnish European, 0.24%; 8 homozygotes.

Submissions (3):

CeGaT Center for Human Genetics Tuebingen
Classification: Likely benign. Last evaluated: 2026-09-01. Review status: criteria provided, single submitter. Criteria: CeGaT Center For Human Genetics Tuebingen Variant Classification Criteria Version 2. Collection method: clinical testing. Allele origin: germline. Affected: yes. Observed: 3 variant alleles.
Comment: LAMA5: BS2

Labcorp Genetics (formerly Invitae), Labcorp
Classification: Benign. Last evaluated: 2026-01-27. Review status: criteria provided, single submitter. Criteria: Invitae Variant Classification Sherloc (09022015). Collection method: clinical testing. Allele origin: germline.

PreventionGenetics, part of Exact Sciences
Classification: Likely benign for LAMA5-related condition. Last evaluated: 2019-09-19. Review status: no assertion criteria provided. Collection method: clinical testing. Allele origin: germline. Not counted in ClinVar's aggregate classification.
Comment: This variant is classified as likely benign based on ACMG/AMP sequence variant interpretation guidelines (Richards et al. 2015 PMID: 25741868, with internal and published modifications).